The following is an entry in ClinVar:

GRCh37/hg19 16p13.11(chr16:15509407-16319630)x3

Genes: ABCC1 (ATP binding cassette subfamily C member 1 (ABCC1 blood group); plus strand), ABCC6 (ATP binding cassette subfamily C member 6; minus strand), BMERB1 (bMERB domain containing 1; plus strand), CEP20 (centrosomal protein 20; minus strand), MARF1 (meiosis regulator and mRNA stability factor 1; minus strand) and 2 more. Cytogenetic location: 16p13.11.
Variant type: copy number gain.
Change: copy number 3 (three copies instead of two) of chr16:15,509,407-16,319,630 (810.2 kb, GRCh37 coordinates, 1-based), cytogenetic band 16p13.11.
Identifiers: ClinVar variation 1807736 (VCV001807736.1).

ClinVar aggregate classification (germline): Likely pathogenic (1 of 4 stars; one submission).

Submission:

Quest Diagnostics Nichols Institute San Juan Capistrano
Classification: Likely pathogenic. Last evaluated: 2021-08-11. Review status: criteria provided, single submitter. Criteria: ACMG/ClinGen CNV Guidelines, 2019. Collection method: clinical testing. Allele origin: unknown.
Comment: This copy number gain involves multiple genes and is a recurrent genomic imbalance. It confers susceptibility to a range of neurodevelopmental disorders including autism spectrum disorder, developmental delay, intellectual disability, and speech delay. Additionally, increased risk for cardiovascular disease has been noted (Allach El Khattabi et al., J Med Genet. 2018 Oct 4. Pii: jmedgenet-2018-105389. PMID: 30287593). The clinical significance of this recurrent duplication has been debated, because similar duplications are repeatedly observed in uncharacterized controls and in unaffected relatives (Ullmann R et al., Hum Mutat. 2007 Jul;28(7):674-82.PMID: 17480035; Hannes FD et al., J Med Genet. 2009 Apr;46(4):223-32. PMID: 18550696). However, the duplication is enriched in patients versus controls in multiple case-control studies (Kendall et al. Br J Psychiatry. 2019 May;214(5):297-304. PMID: 30767844; Coe et al., Nat Genet. 2014 Oct;46(10):1063-71., PMID: 25217958; Girirajan et al., N Engl J Med. 2012 Oct 4;367(14):1321-31., PMID: 22970919), with some exceptions (Kaminsky et al., Genet Med. 2011 Sep;13(9):777-84., PMID: 21844811). A male-biased effect on the penetrance of the neurodevelopmental phenotypes has been reported (Tropeano M et al., PLoS One. 2013 Apr 18;8(4):e61365.; PMID: 23637818). Thus, the clinical significance of this copy number variant (CNV) is likely pathogenic. Please note: because of variable phenotypic expressivity, incomplete penetrance, and occurrence in control populations, it is best interpreted as a susceptibility locus.